The following is an entry in ClinVar:

ClinVar aggregate classification (germline): Uncertain significance (1 of 4 stars; one submission).

Conditions:
Inborn genetic diseases. Identifiers: MedGen C0950123, MeSH D030342.

gnomAD v4.1: 1 of 1,612,512 alleles (0.000062%); highest among the groups gnomAD compares: South Asian, 0.0011%; no homozygotes.

Submission:

Ambry Genetics
Classification: Uncertain significance for Inborn genetic diseases. Last evaluated: 2025-03-24. Review status: criteria provided, single submitter. Criteria: Ambry Variant Classification Scheme 2023. Collection method: clinical testing. Allele origin: germline.
Comment: The p.A337S variant (also known as c.1009G>T), located in coding exon 5 of the FANCM gene, results from a G to T substitution at nucleotide position 1009. The alanine at codon 337 is replaced by serine, an amino acid with similar properties. This amino acid position is conserved. In addition, this alteration is predicted to be tolerated by in silico analysis. Based on the available evidence, the clinical significance of this variant remains unclear.

NM_020937.4(FANCM):c.1009G>T (p.Ala337Ser)

Gene: FANCM (FA complementation group M; plus strand). Cytogenetic location: 14q21.2.
Variant type: single nucleotide variant.
Coding change: c.1009G>T on transcript NM_020937.4 (MANE Select); coding-DNA position 1009, G replaced by T.
Protein change: p.Ala337Ser; replaces alanine 337 with serine.
Molecular consequence: missense variant.
Genome position (GRCh38, 1-based): chr14:45,151,487, G>T. VCF-style: chr14-45151487-G-T. GRCh37 (hg19) VCF-style: chr14-45620690-G-T.
Other names: c.931G>T, p.Ala311Ser (NM_001308133.2); c.1009G>T, p.Ala337Ser (NM_001308134.2); short protein forms A337S, A311S.
Identifiers: ClinVar variation 4022608 (VCV004022608.1).
Genomic context (GRCh38, chr14:45,151,487, plus strand): 5'-CAGAGGAATGTTTTGATGAGAAGGGATATCCCAAATCTAACAAAATATCAGATAATTCTG[G>T]CAAGAGATCAGTTTAGGAAAAACCCATCTCCGAATATTGTGGTAGGTATTTTTAAATAAA-3'
Protein context (NP_065988.1, residues 327-347): PNLTKYQIIL[Ala337Ser]RDQFRKNPSP